The following is an entry in ClinVar:

NM_020366.4(RPGRIP1):c.2974_2984del (p.Arg992fs)

Gene: RPGRIP1 (RPGR interacting protein 1; plus strand). Cytogenetic location: 14q11.2.
Variant type: Deletion.
Coding change: c.2974_2984del on transcript NM_020366.4 (MANE Select); coding-DNA positions 2974 to 2984, 11 bases deleted (AGAAAGGAGAA).
Protein change: p.Arg992fs; shifts the reading frame from arginine 992.
Molecular consequence: frameshift variant.
Genome position (GRCh38, 1-based): chr14:21,328,502-21,328,512, AGAAAGGAGAA deleted; deleting any 11 consecutive bases within chr14:21,328,496-21,328,512 gives the same sequence; the c. name uses the placement nearest the transcript's 3' end. VCF-style (leftmost placement, unchanged base first): chr14-21328495-GGGAGAAAGAAA-G. GRCh37 (hg19) VCF-style: chr14-21796654-GGGAGAAAGAAA-G.
Other names: c.952_962del, p.Arg318fs (NM_001377523.1, NM_001377950.1); c.1900_1910del, p.Arg634fs (NM_001377948.1); c.1060_1070del, p.Arg354fs (NM_001377949.1); c.454_464del, p.Arg152fs (NM_001377951.1); short protein forms R152fs, R318fs, R634fs, R992fs, R354fs.
Identifiers: ClinVar variation 2038110 (VCV002038110.4), dbSNP rs2502848608, ClinGen allele CA2580087994.
Genomic context (GRCh38, chr14:21,328,495, plus strand): 5'-ATCTCCTGAGGTTCCCATTGAAGCTGGCCAGTATCGATCTAAGAGAAAACCTCCTCATGG[GGGAGAAAGAAA>G]GGAGAAGGAGCACCAGGTTGTGAGCTACTCAAGAAGAAAACATGGCAAAAGAATAGGTGT-3'

ClinVar aggregate classification (germline): Pathogenic (1 of 4 stars; one submission).

Conditions:
Cone-rod dystrophy 13 (CORD13). Identifiers: Orphanet 1872, MedGen C2750720, MONDO:0011987, OMIM 608194.
Leber congenital amaurosis 6 (LCA6). Identifiers: Orphanet 65, MedGen C1854260, MONDO:0013446, OMIM 613826.

Submission:

Labcorp Genetics (formerly Invitae), Labcorp
Classification: Pathogenic for Leber congenital amaurosis 6; Cone-rod dystrophy 13. Last evaluated: 2022-09-21. Review status: criteria provided, single submitter. Criteria: Invitae Variant Classification Sherloc (09022015). Collection method: clinical testing. Allele origin: germline.
Comment: This sequence change creates a premature translational stop signal (p.Arg992Glyfs*23) in the RPGRIP1 gene. It is expected to result in an absent or disrupted protein product. Loss-of-function variants in RPGRIP1 are known to be pathogenic (PMID: 11528500, 23105016). This variant is not present in population databases (gnomAD no frequency). This variant has not been reported in the literature in individuals affected with RPGRIP1-related conditions. For these reasons, this variant has been classified as Pathogenic.

Literature cited by the submitters: PubMed 11528500; PubMed 23105016.